The following is an entry in ClinVar:

NM_054012.4(ASS1):c.199G>A (p.Glu67Lys)

Gene: ASS1 (argininosuccinate synthase 1; plus strand). Cytogenetic location: 9q34.11.
Variant type: single nucleotide variant.
Coding change: c.199G>A on transcript NM_054012.4 (MANE Select); coding-DNA position 199, G replaced by A.
Protein change: p.Glu67Lys; replaces glutamic acid 67 with lysine.
Molecular consequence: missense variant.
Genome position (GRCh38, 1-based): chr9:130,458,425, G>A. VCF-style: chr9-130458425-G-A. GRCh37 (hg19) VCF-style: chr9-133333812-G-A.
Other names: c.199G>A, p.Glu67Lys (NM_000050.4); short protein forms E67K.
Identifiers: ClinVar variation 2415832 (VCV002415832.8), dbSNP rs1257036291, ClinGen allele CA375224878.

ClinVar aggregate classification (germline): Uncertain significance (1 of 4 stars; one submission).

Conditions:
Citrullinemia. Identifiers: Orphanet 187, MedGen C0175683, MONDO:0015991.

Allele frequency attached by ClinVar (database versions not stated): TOPMed below 0.00001.

Submission:

Labcorp Genetics (formerly Invitae), Labcorp
Classification: Uncertain significance for Citrullinemia. Last evaluated: 2022-07-01. Review status: criteria provided, single submitter. Criteria: Invitae Variant Classification Sherloc (09022015). Collection method: clinical testing. Allele origin: germline.
Comment: This sequence change replaces glutamic acid, which is acidic and polar, with lysine, which is basic and polar, at codon 67 of the ASS1 protein (p.Glu67Lys). This variant is not present in population databases (gnomAD no frequency). This variant has not been reported in the literature in individuals affected with ASS1-related conditions. Algorithms developed to predict the effect of missense changes on protein structure and function (SIFT, PolyPhen-2, Align-GVGD) all suggest that this variant is likely to be tolerated. In summary, the available evidence is currently insufficient to determine the role of this variant in disease. Therefore, it has been classified as a Variant of Uncertain Significance.